The following is an entry in ClinVar:

ClinVar aggregate classification (germline): Uncertain significance. Review status: criteria provided, multiple submitters, no conflicts (2 of 4 stars). 2 submissions from 2 submitters: Uncertain significance (2). Last evaluated 2025-01-28.

Conditions:
Hypertrophic cardiomyopathy. Also called: HYPERTROPHIC MYOCARDIOPATHY. Identifiers: Orphanet 217569, MedGen C0007194, MeSH D002312, MONDO:0005045, HP:0001639.

Submissions (2):

Labcorp Genetics (formerly Invitae), Labcorp
Classification: Uncertain significance for Hypertrophic cardiomyopathy. Last evaluated: 2025-01-28. Review status: criteria provided, single submitter. Criteria: Invitae Variant Classification Sherloc (09022015). Collection method: clinical testing. Allele origin: germline.
Comment: This sequence change replaces lysine, which is basic and polar, with glutamic acid, which is acidic and polar, at codon 1700 of the MYH7 protein (p.Lys1700Glu). This variant is not present in population databases (gnomAD no frequency). This missense change has been observed in individual(s) with dilated cardiomyopathy (internal data). Invitae Evidence Modeling of protein sequence and biophysical properties (such as structural, functional, and spatial information, amino acid conservation, physicochemical variation, residue mobility, and thermodynamic stability) indicates that this missense variant is expected to disrupt MYH7 protein function with a positive predictive value of 95%. In summary, the available evidence is currently insufficient to determine the role of this variant in disease. Therefore, it has been classified as a Variant of Uncertain Significance.

Blueprint Genetics
Classification: Uncertain significance. Last evaluated: 2022-03-14. Review status: criteria provided, single submitter. Criteria: ACMG Guidelines, 2015. Collection method: clinical testing. Allele origin: germline.

NM_000257.4(MYH7):c.5098A>G (p.Lys1700Glu)

Genes: MHRT (myosin heavy chain associated RNA transcript; plus strand), MYH7 (myosin heavy chain 7; minus strand), LOC126861897 (BRD4-independent group 4 enhancer GRCh37_chr14:23884455-23885654; plus strand). Cytogenetic location: 14q11.2.
Variant type: single nucleotide variant.
Coding change: c.5098A>G on transcript NM_000257.4 (MANE Select); coding-DNA position 5098, A replaced by G.
Protein change: p.Lys1700Glu; replaces lysine 1700 with glutamic acid.
Molecular consequence: missense variant. On other transcripts: non-coding transcript variant (1).
Genome position (GRCh38, 1-based): chr14:23,415,688, T>C on the plus strand (A>G on the coding strand, the complement: MYH7 is on the minus strand). VCF-style: chr14-23415688-T-C. GRCh37 (hg19) VCF-style: chr14-23884897-T-C.
Other names: c.5098A>G, p.Lys1700Glu (NM_001407004.1); short protein forms K1700E.
Identifiers: ClinVar variation 3635999 (VCV003635999.3).